The following is an entry in ClinVar:

ClinVar aggregate classification (germline): Uncertain significance. Review status: criteria provided, multiple submitters, no conflicts (2 of 4 stars). 4 submissions from 4 submitters: Uncertain significance (4). Last evaluated 2026-08-11.

Conditions:
LAMA1-related disorder. Also called: LAMA1-related condition; LAMA1-related disorders.
Ataxia - intellectual disability - oculomotor apraxia - cerebellar cysts syndrome. Also called: Poretti-Boltshauser syndrome. Identifiers: Orphanet 370022, MedGen C4014821, MONDO:0014419, OMIM 615960.

Allele frequency attached by ClinVar (database versions not stated): ExAC 0.00003; gnomAD exomes 0.00004; ESP Exome Variant Server 0.00015; gnomAD 0.00016 and 0.00017; TOPMed 0.00021; 1000 Genomes Project 30x 0.00047; 1000 Genomes Project 0.00060.
gnomAD v4.1: 72 of 1,613,962 alleles (0.0045%); highest among the groups gnomAD compares: African/African-American, 0.079%; 1 homozygote.

Submissions (4):

PreventionGenetics, part of Exact Sciences
Classification: Uncertain significance for LAMA1-related condition. Last evaluated: 2026-08-11. Review status: criteria provided, single submitter. Criteria: ACMG Guidelines, 2015. Collection method: clinical testing. Allele origin: germline.
Comment: The LAMA1 c.6779C>A variant is predicted to result in the amino acid substitution p.Ser2260Tyr. This variant has been reported in the homozygous state in an individual with developmental delay, progressive leukodystrophy, severe hydrocephalus, and cerebellar atrophy and cyst (AlBanji et al. 2020. PubMed ID: 33101984). This variant is reported in 0.044% of alleles in individuals of African descent in gnomAD. At this time, the clinical significance of this variant is uncertain due to the absence of conclusive functional and genetic evidence.

Labcorp Genetics (formerly Invitae), Labcorp
Classification: Uncertain significance. Last evaluated: 2022-08-22. Review status: criteria provided, single submitter. Criteria: Invitae Variant Classification Sherloc (09022015). Collection method: clinical testing. Allele origin: germline.
Comment: This sequence change replaces serine, which is neutral and polar, with tyrosine, which is neutral and polar, at codon 2260 of the LAMA1 protein (p.Ser2260Tyr). This variant is present in population databases (rs146652610, gnomAD 0.04%). This missense change has been observed in individual(s) with clinical features of Poretti-Boltshauser syndrome (PMID: 33101984). ClinVar contains an entry for this variant (Variation ID: 1030939). Algorithms developed to predict the effect of missense changes on protein structure and function are either unavailable or do not agree on the potential impact of this missense change (SIFT: "Tolerated"; PolyPhen-2: "Probably Damaging"; Align-GVGD: "Class C0"). In summary, the available evidence is currently insufficient to determine the role of this variant in disease. Therefore, it has been classified as a Variant of Uncertain Significance.

Blueprint Genetics
Classification: Uncertain significance. Last evaluated: 2022-04-22. Review status: criteria provided, single submitter. Criteria: ACMG Guidelines, 2015. Collection method: clinical testing. Allele origin: germline.

Baylor Genetics
Classification: Uncertain significance for Ataxia - intellectual disability - oculomotor apraxia - cerebellar cysts syndrome. Last evaluated: 2019-12-20. Review status: criteria provided, single submitter. Criteria: ACMG Guidelines, 2015. Collection method: clinical testing. Allele origin: unknown. Affected: yes.
Comment: This variant was determined to be of uncertain significance according to ACMG Guidelines, 2015 [PMID:25741868].

Literature cited by the submitters: PubMed 33101984 (cited by Labcorp Genetics (formerly Invitae), Labcorp).

NM_005559.4(LAMA1):c.6779C>A (p.Ser2260Tyr)

Gene: LAMA1 (laminin subunit alpha 1; minus strand). Cytogenetic location: 18p11.31.
Variant type: single nucleotide variant.
Coding change: c.6779C>A on transcript NM_005559.4 (MANE Select); coding-DNA position 6779, C replaced by A.
Protein change: p.Ser2260Tyr; replaces serine 2260 with tyrosine.
Molecular consequence: missense variant.
Genome position (GRCh38, 1-based): chr18:6,971,977, G>T on the plus strand (C>A on the coding strand, the complement: LAMA1 is on the minus strand). VCF-style: chr18-6971977-G-T. GRCh37 (hg19) VCF-style: chr18-6971976-G-T.
Other names: short protein forms S2260Y.
Identifiers: ClinVar variation 1030939 (VCV001030939.5), dbSNP rs146652610, ClinGen allele CA8881123.